The following is an entry in ClinVar:

NM_025179.4(PLXNA2):c.3622G>A (p.Gly1208Arg)

Gene: PLXNA2 (plexin A2; minus strand). Cytogenetic location: 1q32.2.
Variant type: single nucleotide variant.
Coding change: c.3622G>A on transcript NM_025179.4 (MANE Select); coding-DNA position 3622, G replaced by A.
Protein change: p.Gly1208Arg; replaces glycine 1208 with arginine.
Molecular consequence: missense variant.
Genome position (GRCh38, 1-based): chr1:208,045,084, C>T on the plus strand (G>A on the coding strand, the complement: PLXNA2 is on the minus strand). VCF-style: chr1-208045084-C-T. GRCh37 (hg19) VCF-style: chr1-208218429-C-T.
Other names: short protein forms G1208R.
Identifiers: ClinVar variation 5001710 (VCV005001710.1).

ClinVar aggregate classification (germline): Uncertain significance (1 of 4 stars; one submission).

Conditions:
PLXNA2-related disorder. Also called: PLXNA2-related condition.

gnomAD v4.1: 8 of 1,613,998 alleles (0.0005%); highest among the groups gnomAD compares: South Asian, 0.0011%; no homozygotes.

Submission:

PreventionGenetics, part of Exact Sciences
Classification: Uncertain significance for PLXNA2-related condition. Last evaluated: 2024-12-12. Review status: criteria provided, single submitter. Criteria: ACMG Guidelines, 2015. Collection method: clinical testing. Allele origin: germline.
Comment: The PLXNA2 c.3622G>A variant is predicted to result in the amino acid substitution p.Gly1208Arg. To our knowledge, this variant has not been reported in the literature. This variant is reported in 0.00088% of alleles in individuals of European (Non-Finnish) descent in gnomAD. At this time, the clinical significance of this variant is uncertain due to the absence of conclusive functional and genetic evidence.